The following is an entry in ClinVar:

NM_013435.3(RAX):c.745C>T (p.Leu249=)

Genes: RAX (retina and anterior neural fold homeobox; minus strand), LOC130062601 (ATAC-STARR-seq lymphoblastoid silent region 9492; plus strand). Cytogenetic location: 18q21.32.
Variant type: single nucleotide variant.
Coding change: c.745C>T on transcript NM_013435.3 (MANE Select); coding-DNA position 745, C replaced by T.
Protein change: p.Leu249=; no amino-acid change (leucine 249 retained).
Molecular consequence: synonymous variant.
Genome position (GRCh38, 1-based): chr18:59,269,300, G>A on the plus strand (C>T on the coding strand, the complement: RAX is on the minus strand). VCF-style: chr18-59269300-G-A. GRCh37 (hg19) VCF-style: chr18-56936532-G-A.
Identifiers: ClinVar variation 327532 (VCV000327532.5), dbSNP rs752919963, ClinGen allele CA8979271.

ClinVar aggregate classification (germline): Likely benign (1 of 4 stars; one submission).

Conditions:
Isolated microphthalmia 3 (MCOPS16). Also called: MICROPHTHALMIA, SYNDROMIC 16. Identifiers: Orphanet 2542, MedGen C5774181, MONDO:0012604, OMIM 611038.

Allele frequency attached by ClinVar (database versions not stated): gnomAD exomes 0.00018 and 0.00196; gnomAD 0.00027; TOPMed 0.00033; ExAC 0.00255.

Submission:

Illumina Laboratory Services, Illumina
Classification: Likely benign for Isolated microphthalmia 3. Last evaluated: 2018-01-13. Review status: criteria provided, single submitter. Criteria: ICSL Variant Classification Criteria 13 December 2019. Collection method: clinical testing. Allele origin: germline.
Comment: This variant was observed in the ICSL laboratory as part of a predisposition screen in an ostensibly healthy population. It had not been previously curated by ICSL or reported in the Human Gene Mutation Database (HGMD: prior to June 1st, 2018), and was therefore a candidate for classification through an automated scoring system. Utilizing variant allele frequency, disease prevalence and penetrance estimates, and inheritance mode, an automated score was calculated to assess if this variant is too frequent to cause the disease. Based on the score and internal cut-off values, a variant classified as likely benign is not then subjected to further curation. The score for this variant resulted in a classification of likely benign for this disease.